The following is an entry in ClinVar:

ClinVar aggregate classification (germline): Pathogenic. Review status: criteria provided, single submitter (1 of 4 stars). 2 submissions from 2 submitters: Pathogenic (1). 1 of the submissions does not count toward it. Last evaluated 2016-11-02.

Conditions:
GATA3-related disorder. Also called: GATA3-related condition.
Stage 5 chronic kidney disease. Also called: end stage renal failure; End-stage renal disease. Identifiers: MedGen C2316810, MONDO:0004375, HP:0003774.

Submissions (3):

Bioinformatics dept., Datar Cancer Genetics Limited, India
Classification: Pathogenic for Stage 5 chronic kidney disease. Last evaluated: 2016-11-02. Review status: criteria provided, single submitter. Criteria: ACMG Guidelines, 2015. Collection method: clinical testing. Allele origin: germline. Inheritance: Autosomal dominant inheritance. Affected: yes. Observed: 1 variant allele, 1 heterozygote.

PreventionGenetics, part of Exact Sciences
Classification: Likely pathogenic for GATA3-related condition. Last evaluated: 2024-04-05. Review status: no assertion criteria provided. Collection method: clinical testing. Allele origin: germline. Not counted in ClinVar's aggregate classification.
Comment: The GATA3 c.1051-1G>C variant is predicted to disrupt the AG splice acceptor site and interfere with normal splicing. This variant has not been reported in the literature or in a large population database indicating this variant is rare. Alternative variants at the same acceptor splice site have been observed in individuals with Hypoparathyroidism, Deafness, and Renal Dysplasia (HDR) Syndrome (1051-1G>T, Nesbit et al. 2004. PubMed ID: 14985365; c.1051-2A>G, Ali et al. 2007. PubMed ID: 17210674; c.1051-2A>G, Belge et al. 2017. PubMed ID: 27387476). Variants that disrupt the consensus splice acceptor site in GATA3 are expected to be pathogenic. This variant is interpreted as likely pathogenic.

Dr. Peter K. Rogan Lab, Western University
No classification provided (evidence only). Condition: Familial cancer of breast. Review status: no classification provided. Collection method: in vitro. Allele origin: not applicable. Functional consequence: retained intron. Not counted in ClinVar's aggregate classification.

NM_001002295.2(GATA3):c.1051-1G>C

Gene: GATA3 (GATA binding protein 3; plus strand). Cytogenetic location: 10p14.
Variant type: single nucleotide variant.
Coding change: c.1051-1G>C on transcript NM_001002295.2 (MANE Select); the canonical splice acceptor site of the intron before coding-DNA position 1051, G replaced by C.
Molecular consequence: splice acceptor variant.
Genome position (GRCh38, 1-based): chr10:8,073,738, G>C. VCF-style: chr10-8073738-G-C. GRCh37 (hg19) VCF-style: chr10-8115701-G-C.
Other names: NC_000010.10:g.8115701G>C; c.1048-1G>C (NM_002051.3).
Identifiers: ClinVar variation 430696 (VCV000430696.5), dbSNP rs112417755, ClinGen allele CA202464157.